The following is an entry in ClinVar:

NM_013352.4(DSE):c.2306G>C (p.Ser769Thr)

Gene: DSE (dermatan sulfate epimerase; plus strand). Cytogenetic location: 6q22.1.
Variant type: single nucleotide variant.
Coding change: c.2306G>C on transcript NM_013352.4 (MANE Select); coding-DNA position 2306, G replaced by C.
Protein change: p.Ser769Thr; replaces serine 769 with threonine.
Molecular consequence: missense variant. On other transcripts: non-coding transcript variant (1), 3 prime UTR variant (2).
Genome position (GRCh38, 1-based): chr6:116,436,774, G>C. VCF-style: chr6-116436774-G-C. GRCh37 (hg19) VCF-style: chr6-116757937-G-C.
Other names: c.1271G>C, p.Ser424Thr (NM_001374521.1); c.2306G>C, p.Ser769Thr (NM_001080976.3, NM_001322937.2, NM_001322938.2); c.2363G>C, p.Ser788Thr (NM_001322939.2); c.1745G>C, p.Ser582Thr (NM_001322940.2, NM_001322941.2); c.*1171G>C (NM_001322943.2, NM_001322944.2); c.1307G>C, p.Ser436Thr (NM_001374520.1); short protein forms S582T, S769T, S424T, S436T, S788T.
Identifiers: ClinVar variation 3085923 (VCV003085923.2), dbSNP rs2482306797, ClinGen allele CA365407373.

ClinVar aggregate classification (germline): Uncertain significance. Review status: criteria provided, multiple submitters, no conflicts (2 of 4 stars). 2 submissions from 2 submitters: Uncertain significance (2). Last evaluated 2025-10-10.

Conditions:
Inborn genetic diseases. Identifiers: MedGen C0950123, MeSH D030342.

Submissions (2):

Women's Health and Genetics/Laboratory Corporation of America, LabCorp
Classification: Uncertain significance. Last evaluated: 2025-10-10. Review status: criteria provided, single submitter. Criteria: LabCorp Variant Classification Summary - May 2015. Collection method: clinical testing. Allele origin: germline.
Comment: Variant summary: DSE c.2306G>C (p.Ser769Thr) results in a conservative amino acid change in the encoded protein sequence. Algorithms developed to predict the effect of missense changes on protein structure and function are either unavailable or do not agree on the potential impact of this missense change. The variant was absent in 250834 control chromosomes. The available data on variant occurrences in the general population are insufficient to allow any conclusion about variant significance. To our knowledge, no occurrence of c.2306G>C in individuals affected with DSE-related conditions and no experimental evidence demonstrating its impact on protein function have been reported. ClinVar contains an entry for this variant (Variation ID: 3085923). Based on the evidence outlined above, the variant was classified as uncertain significance.

Ambry Genetics
Classification: Uncertain significance for Inborn genetic diseases. Last evaluated: 2023-12-09. Review status: criteria provided, single submitter. Criteria: Ambry Variant Classification Scheme 2023. Collection method: clinical testing. Allele origin: germline.